The following is an entry in ClinVar:

ClinVar aggregate classification (germline): Uncertain significance (1 of 4 stars; one submission).

Allele frequency attached by ClinVar (database versions not stated): gnomAD exomes 0.00001; ExAC 0.00001.
gnomAD v4.1: 13 of 1,538,732 alleles (0.00084%); highest among the groups gnomAD compares: African/African-American, 0.012%; no homozygotes.

Submission:

CeGaT Center for Human Genetics Tuebingen
Classification: Uncertain significance. Last evaluated: 2022-04-01. Review status: criteria provided, single submitter. Criteria: CeGaT Center For Human Genetics Tuebingen Variant Classification Criteria Version 2. Collection method: clinical testing. Allele origin: germline. Affected: yes. Observed: 1 variant allele.
Comment: CNTN6: PM2, BP4

NM_001289080.2(CNTN6):c.1669-6C>T

Gene: CNTN6 (contactin 6; plus strand). Cytogenetic location: 3p26.3.
Variant type: single nucleotide variant.
Coding change: c.1669-6C>T on transcript NM_001289080.2 (MANE Select); 6 bases into the intron before coding-DNA position 1669, C replaced by T.
Molecular consequence: intron variant.
Genome position (GRCh38, 1-based): chr3:1,372,832, C>T. VCF-style: chr3-1372832-C-T. GRCh37 (hg19) VCF-style: chr3-1414516-C-T.
Other names: c.1669-6C>T (NM_001349351.2, NM_001349354.2, NM_014461.4 and 4 more transcripts); c.547-6C>T (NM_001349361.2, NM_001349362.2, NM_001349360.2 and 1 more transcripts); c.1114-6C>T (NM_001349358.2); c.1561-6C>T (NM_001349356.2); c.1357-6C>T (NM_001349357.2); c.1453-6C>T (NM_001289081.2).
Identifiers: ClinVar variation 2653440 (VCV002653440.24), dbSNP rs755410995, ClinGen allele CA2226268.
Genomic context (GRCh38, chr3:1,372,832, plus strand): 5'-TAACAATAAAGTAGGACTTGTTATATGGGCTTACGTTTTTATCCATTTCTCCCTTTCTGT[C>T]TGCAGGAATCTGTTGGGGATTTGATGATAAGGAATATTCAGTTACATCATTCAGGAAAAT-3'